The following is an entry in ClinVar:

NM_000245.4(MET):c.2161G>T (p.Ala721Ser)

Gene: MET (MET proto-oncogene, receptor tyrosine kinase; plus strand). Cytogenetic location: 7q31.2.
Variant type: single nucleotide variant.
Coding change: c.2161G>T on transcript NM_000245.4 (MANE Select); coding-DNA position 2161, G replaced by T.
Protein change: p.Ala721Ser; replaces alanine 721 with serine.
Molecular consequence: missense variant.
Genome position (GRCh38, 1-based): chr7:116,758,517, G>T. VCF-style: chr7-116758517-G-T. GRCh37 (hg19) VCF-style: chr7-116398571-G-T.
Other names: c.2161G>T, p.Ala721Ser (NM_001127500.3, NM_001324401.3); c.871G>T, p.Ala291Ser (NM_001324402.2); short protein forms A291S, A721S.
Identifiers: ClinVar variation 2106475 (VCV002106475.4), dbSNP rs2116931029, ClinGen allele CA368980582.
Genomic context (GRCh38, chr7:116,758,517, plus strand): 5'-AGTGTGTCAAACAGTATTCTTGAATGTTATACCCCAGCCCAAACCATTTCAACTGAGTTT[G>T]CTGTTAAATTGAAAATTGACTTAGCCAACCGAGAGACAAGCATCTTCAGTTACCGTGAAG-3'
Protein context (NP_000236.2, residues 711-731): TPAQTISTEF[Ala721Ser]VKLKIDLANR

ClinVar aggregate classification (germline): Uncertain significance (1 of 4 stars; one submission).

Conditions:
Renal cell carcinoma. Identifiers: Orphanet 217071, MedGen C0007134, MeSH D002292, MONDO:0005086, HP:0005584.

Submission:

Labcorp Genetics (formerly Invitae), Labcorp
Classification: Uncertain significance for Renal cell carcinoma. Last evaluated: 2022-03-03. Review status: criteria provided, single submitter. Criteria: Invitae Variant Classification Sherloc (09022015). Collection method: clinical testing. Allele origin: germline.
Comment: This variant has not been reported in the literature in individuals affected with MET-related conditions. This variant is not present in population databases (gnomAD no frequency). Algorithms developed to predict the effect of missense changes on protein structure and function output the following: SIFT: "Tolerated"; PolyPhen-2: "Benign"; Align-GVGD: "Class C0". The serine amino acid residue is found in multiple mammalian species, which suggests that this missense change does not adversely affect protein function. In summary, the available evidence is currently insufficient to determine the role of this variant in disease. Therefore, it has been classified as a Variant of Uncertain Significance. This sequence change replaces alanine, which is neutral and non-polar, with serine, which is neutral and polar, at codon 721 of the MET protein (p.Ala721Ser).